The following is an entry in ClinVar:

ClinVar aggregate classification (germline): Likely benign. Review status: criteria provided, multiple submitters, no conflicts (2 of 4 stars). 2 submissions from 2 submitters: Likely benign (2). Last evaluated 2025-11-01.

Conditions:
DVL1-related disorder. Also called: DVL1-related condition.

Allele frequency attached by ClinVar (database versions not stated): gnomAD exomes 0.00002 and 0.00003; TOPMed 0.00002; gnomAD 0.00003 and 0.00004; ExAC 0.00005.
gnomAD v4.1: 36 of 1,558,694 alleles (0.0023%); highest among the groups gnomAD compares: Non-Finnish European, 0.0029%; no homozygotes.

Submissions (2):

PreventionGenetics, part of Exact Sciences
Classification: Likely benign for DVL1-related condition. Last evaluated: 2025-11-01. Review status: criteria provided, single submitter. Criteria: ACMG Guidelines, 2015. Collection method: clinical testing. Allele origin: germline.
Comment: This variant is classified as likely benign based on ACMG/AMP sequence variant interpretation guidelines (Richards et al. 2015 PMID: 25741868, with internal and published modifications).

Labcorp Genetics (formerly Invitae), Labcorp
Classification: Likely benign. Last evaluated: 2022-12-27. Review status: criteria provided, single submitter. Criteria: Invitae Variant Classification Sherloc (09022015). Collection method: clinical testing. Allele origin: germline.

NM_001330311.2(DVL1):c.2013G>A (p.Pro671=)

Gene: DVL1 (dishevelled segment polarity protein 1; minus strand). Cytogenetic location: 1p36.33.
Variant type: single nucleotide variant.
Coding change: c.2013G>A on transcript NM_001330311.2 (MANE Select); coding-DNA position 2013, G replaced by A.
Protein change: p.Pro671=; no amino-acid change (proline 671 retained).
Molecular consequence: synonymous variant.
Genome position (GRCh38, 1-based): chr1:1,336,217, C>T on the plus strand (G>A on the coding strand, the complement: DVL1 is on the minus strand). VCF-style: chr1-1336217-C-T. GRCh37 (hg19) VCF-style: chr1-1271597-C-T.
Other names: c.1938G>A, p.Pro646= (NM_004421.3); c.1938G>A (NM_004421.2).
Identifiers: ClinVar variation 1518905 (VCV001518905.9), dbSNP rs755030520, ClinGen allele CA519744.